The following is an entry in ClinVar:

ClinVar aggregate classification (germline): Uncertain significance (1 of 4 stars; one submission).

Submission:

Labcorp Genetics (formerly Invitae), Labcorp
Classification: Uncertain significance. Last evaluated: 2022-05-24. Review status: criteria provided, single submitter. Criteria: Invitae Variant Classification Sherloc (09022015). Collection method: clinical testing. Allele origin: germline.
Comment: In summary, the available evidence is currently insufficient to determine the role of this variant in disease. Therefore, it has been classified as a Variant of Uncertain Significance. Advanced modeling of protein sequence and biophysical properties (such as structural, functional, and spatial information, amino acid conservation, physicochemical variation, residue mobility, and thermodynamic stability) performed at Invitae indicates that this missense variant is expected to disrupt YARS2 protein function. This variant has not been reported in the literature in individuals affected with YARS2-related conditions. This variant is not present in population databases (gnomAD no frequency). This sequence change replaces aspartic acid, which is acidic and polar, with histidine, which is basic and polar, at codon 121 of the YARS2 protein (p.Asp121His).

NM_001040436.3(YARS2):c.361G>C (p.Asp121His)

Gene: YARS2 (tyrosyl-tRNA synthetase 2; minus strand). Cytogenetic location: 12p11.21.
Variant type: single nucleotide variant.
Coding change: c.361G>C on transcript NM_001040436.3 (MANE Select); coding-DNA position 361, G replaced by C.
Protein change: p.Asp121His; replaces aspartic acid 121 with histidine.
Molecular consequence: missense variant.
Genome position (GRCh38, 1-based): chr12:32,755,514, C>G on the plus strand (G>C on the coding strand, the complement: YARS2 is on the minus strand). VCF-style: chr12-32755514-C-G. GRCh37 (hg19) VCF-style: chr12-32908448-C-G.
Other names: short protein forms D121H.
Identifiers: ClinVar variation 1998316 (VCV001998316.4), dbSNP rs1321167605, ClinGen allele CA384374057.